The following is an entry in ClinVar:

NC_000004.11:g.(?_3478200)_(3482970_?)del

Gene: DOK7 (docking protein 7; plus strand). Cytogenetic location: 4p16.3.
Variant type: Deletion.
Identifiers: ClinVar variation 3246665 (VCV003246665.1).

ClinVar aggregate classification (germline): Pathogenic (1 of 4 stars; one submission).

Conditions:
Fetal akinesia deformation sequence 1 (FADS1). Also called: Pena-Shokeir syndrome type I; Fetal akinesia sequence. Identifiers: Orphanet 994, MedGen C1276035, MONDO:0100101, OMIM 208150, HP:0001989.
Congenital myasthenic syndrome 10. Also called: Myasthenia, limb-girdle, familial. Identifiers: Orphanet 590, MedGen C1850792, MONDO:0009690, OMIM 254300.

Submission:

Labcorp Genetics (formerly Invitae), Labcorp
Classification: Pathogenic for Congenital myasthenic syndrome 10; Fetal akinesia deformation sequence 1. Last evaluated: 2023-12-18. Review status: criteria provided, single submitter. Criteria: Invitae Variant Classification Sherloc (09022015). Collection method: clinical testing. Allele origin: unknown.
Comment: This variant results in the deletion of part of exon 4 (c.463_533-4296del) of the DOK7 gene. It is expected to disrupt RNA splicing. Variants that disrupt the donor or acceptor splice site typically lead to a loss of protein function (PMID: 16199547), and loss-of-function variants in DOK7 are known to be pathogenic (PMID: 16794080, 16917026, 18626973, 19261599). This variant has not been reported in the literature in individuals affected with DOK7-related conditions. This variant disrupts a region of the DOK7 protein in which other variant(s) (p.Gly172Arg) have been determined to be pathogenic (PMID: 20012313, 28716243, 30266093). This suggests that this is a clinically significant region of the protein, and that variants that disrupt it are likely to be disease-causing. For these reasons, this variant has been classified as Pathogenic.

Literature cited by the submitters: PubMed 16199547; PubMed 16794080; PubMed 16917026; PubMed 18626973; PubMed 19261599; PubMed 20012313; PubMed 28716243; PubMed 30266093.